The following is an entry in ClinVar:

NM_001101.5(ACTB):c.45C>T (p.Gly15=)

Gene: ACTB (actin beta; minus strand). Cytogenetic location: 7p22.1.
Variant type: single nucleotide variant.
Coding change: c.45C>T on transcript NM_001101.5 (MANE Select); coding-DNA position 45, C replaced by T.
Protein change: p.Gly15=; no amino-acid change (glycine 15 retained).
Molecular consequence: synonymous variant.
Genome position (GRCh38, 1-based): chr7:5,529,613, G>A on the plus strand (C>T on the coding strand, the complement: ACTB is on the minus strand). VCF-style: chr7-5529613-G-A. GRCh37 (hg19) VCF-style: chr7-5569244-G-A.
Identifiers: ClinVar variation 2893389 (VCV002893389.3), dbSNP rs2533851458, ClinGen allele CA453639145.

ClinVar aggregate classification (germline): Uncertain significance (1 of 4 stars; one submission).

Conditions:
Baraitser-Winter syndrome 1 (BRWS1). Also called: BARAITSER-WINTER SYNDROME 1, ATYPICAL; PACHYGYRIA, MENTAL RETARDATION, EPILEPSY, AND CHARACTERISTIC FACIES; MENTAL RETARDATION WITH EPILEPSY AND CHARACTERISTIC FACIES; Cerebrofrontofacial syndrome. Identifiers: Orphanet 2649, Orphanet 2995, MedGen C1855722, MONDO:0009470, OMIM 243310.

Allele frequency attached by ClinVar (database versions not stated): gnomAD exomes below 0.00001.
gnomAD v4.1: 2 of 1,611,540 alleles (0.00012%); highest among the groups gnomAD compares: Non-Finnish European, 0.00017%; no homozygotes.

Submission:

Labcorp Genetics (formerly Invitae), Labcorp
Classification: Uncertain significance for Baraitser-Winter syndrome 1. Last evaluated: 2023-01-16. Review status: criteria provided, single submitter. Criteria: Invitae Variant Classification Sherloc (09022015). Collection method: clinical testing. Allele origin: germline.
Comment: Algorithms developed to predict the effect of sequence changes on RNA splicing suggest that this variant may create or strengthen a splice site. This variant has not been reported in the literature in individuals affected with ACTB-related conditions. This variant is not present in population databases (gnomAD no frequency). This sequence change affects codon 15 of the ACTB mRNA. It is a 'silent' change, meaning that it does not change the encoded amino acid sequence of the ACTB protein. In summary, the available evidence is currently insufficient to determine the role of this variant in disease. Therefore, it has been classified as a Variant of Uncertain Significance.